The following is an entry in ClinVar:

NM_138576.4(BCL11B):c.1217CGC[4] (p.Pro408_Leu409insPro)

Gene: BCL11B (BCL11 transcription factor B; minus strand). Cytogenetic location: 14q32.2.
Variant type: Microsatellite.
Coding change: c.1217CGC[4] on transcript NM_138576.4 (MANE Select); four copies in a row of the 3-base unit CGC starting at c.1217; the reference has three copies in a row; one copy, 3 bases duplicated.
Protein change: p.Pro408_Leu409insPro.
Molecular consequence: inframe insertion.
Genome position (GRCh38, 1-based): chr14:99,175,611-99,175,613, GCG duplicated on the plus strand (CGC on the coding strand, the reverse complement: BCL11B is on the minus strand); duplicating any 3 consecutive bases within chr14:99,175,611-99,175,619 gives the same sequence; the position shown is the placement nearest the transcript's 3' end. VCF-style (leftmost placement, unchanged base first): chr14-99175610-A-AGCG. GRCh37 (hg19) VCF-style: chr14-99641947-A-AGCG.
Other names: c.1214CGC[4], p.Pro407_Leu408insPro (NM_001282237.2); c.1001CGC[4], p.Pro336_Leu337insPro (NM_001282238.2); c.1004CGC[4], p.Pro337_Leu338insPro (NM_022898.3).
Identifiers: ClinVar variation 2802291 (VCV002802291.3), dbSNP rs1381804985, ClinGen allele CA2626435537.
Genomic context (GRCh38, chr14:99,175,610, plus strand): 5'-CACGACTTGCTCTTGGCTGGCGGCTGCGGGGGCGGCGTGCCGCCAGGGGGCATGGGCGGC[A>AGCG]GCGGCGGCGTGCTCAGGAACGGGGACTTGGGGCTGGGCTGGAAGGGGTTCAGGAGCCGGT-3'

ClinVar aggregate classification (germline): Uncertain significance (1 of 4 stars; one submission).

Submission:

Labcorp Genetics (formerly Invitae), Labcorp
Classification: Uncertain significance. Last evaluated: 2023-04-18. Review status: criteria provided, single submitter. Criteria: Invitae Variant Classification Sherloc (09022015). Collection method: clinical testing. Allele origin: germline.
Comment: This variant has not been reported in the literature in individuals affected with BCL11B-related conditions. This variant is not present in population databases (gnomAD no frequency). This variant, c.1223_1225dup, results in the insertion of 1 amino acid(s) of the BCL11B protein (p.Pro408dup), but otherwise preserves the integrity of the reading frame. In summary, the available evidence is currently insufficient to determine the role of this variant in disease. Therefore, it has been classified as a Variant of Uncertain Significance.